The following is an entry in ClinVar:

NM_001256789.3(CACNA1F):c.1596G>A (p.Thr532=)

Gene: CACNA1F (calcium voltage-gated channel subunit alpha1 F; minus strand). Cytogenetic location: Xp11.23.
Variant type: single nucleotide variant.
Coding change: c.1596G>A on transcript NM_001256789.3 (MANE Select); coding-DNA position 1596, G replaced by A.
Protein change: p.Thr532=; no amino-acid change (threonine 532 retained).
Molecular consequence: synonymous variant.
Genome position (GRCh38, 1-based): chrX:49,225,964, C>T on the plus strand (G>A on the coding strand, the complement: CACNA1F is on the minus strand). VCF-style: chrX-49225964-C-T. GRCh37 (hg19) VCF-style: chrX-49082426-C-T.
Other names: c.1434G>A, p.Thr478= (NM_001256790.3); c.1629G>A, p.Thr543= (NM_005183.4).
Identifiers: ClinVar variation 782177 (VCV000782177.12), dbSNP rs200019074, ClinGen allele CA10410820.

ClinVar aggregate classification (germline): Likely benign. Review status: criteria provided, multiple submitters, no conflicts (2 of 4 stars). 3 submissions from 3 submitters: Likely benign (3). Last evaluated 2026-01-17.

Conditions:
CACNA1F-related disorder. Also called: CACNA1F-related condition.

Allele frequency attached by ClinVar (database versions not stated): gnomAD 0.00007; ESP Exome Variant Server 0.00010; ExAC 0.00012; gnomAD exomes 0.00013 and 0.00014; TOPMed 0.00014; 1000 Genomes Project 30x 0.00021; 1000 Genomes Project 0.00026.
gnomAD v4.1: 152 of 1,169,100 alleles (0.013%); highest among the groups gnomAD compares: Non-Finnish European, 0.016%; no homozygotes.

Submissions (3):

Labcorp Genetics (formerly Invitae), Labcorp
Classification: Likely benign. Last evaluated: 2026-01-17. Review status: criteria provided, single submitter. Criteria: Invitae Variant Classification Sherloc (09022015). Collection method: clinical testing. Allele origin: germline.

PreventionGenetics, part of Exact Sciences
Classification: Likely benign for CACNA1F-related condition. Last evaluated: 2025-05-12. Review status: criteria provided, single submitter. Criteria: ACMG Guidelines, 2015. Collection method: clinical testing. Allele origin: germline.
Comment: This variant is classified as likely benign based on ACMG/AMP sequence variant interpretation guidelines (Richards et al. 2015 PMID: 25741868, with internal and published modifications).

Blueprint Genetics
Classification: Likely benign. Last evaluated: 2024-08-30. Review status: criteria provided, single submitter. Criteria: ACMG Guidelines, 2015. Collection method: clinical testing. Allele origin: germline.